The following is an entry in ClinVar:

NM_000492.4(CFTR):c.2739T>A (p.Tyr913Ter)

Gene: CFTR (CF transmembrane conductance regulator; plus strand). Cytogenetic location: 7q31.2.
Variant type: single nucleotide variant.
Coding change: c.2739T>A on transcript NM_000492.4 (MANE Select); coding-DNA position 2739, T replaced by A.
Protein change: p.Tyr913Ter; replaces tyrosine 913 with a stop codon.
Molecular consequence: nonsense.
Genome position (GRCh38, 1-based): chr7:117,603,613, T>A. VCF-style: chr7-117603613-T-A. GRCh37 (hg19) VCF-style: chr7-117243667-T-A.
Other names: short protein forms Y913*.
Identifiers: ClinVar variation 53552 (VCV000053552.31), dbSNP rs149790377, ClinGen allele CA326903.

ClinVar aggregate classification (germline): Pathogenic. Review status: reviewed by expert panel (3 of 4 stars). 13 submissions from 12 submitters: Pathogenic (1). 12 of the submissions do not count toward it. Last evaluated 2017-03-17.

Conditions:
CFTR-related disorder (CFTR-RD). Also called: CFTR-related condition; CFTR-related disorders. Identifiers: MedGen C5924204, MONDO:7770004.
Cystic fibrosis diagnostic test.
Congenital bilateral aplasia of vas deferens from CFTR mutation (CBAVD). Identifiers: Orphanet 48, MedGen C0403814, MONDO:0010178, OMIM 277180. Disease mechanism: loss of function.
Cystic fibrosis (CF). Also called: MUCOVISCIDOSIS. Identifiers: Orphanet 586, MedGen C0010674, MONDO:0009061, OMIM 219700. Disease mechanism: loss of function.
Bronchiectasis with or without elevated sweat chloride 1 (BESC1). Also called: Cystic Fibrosis-Like Syndrome. Identifiers: Orphanet 60033, MedGen C2749757, MONDO:0008887, OMIM 211400.

Allele frequency attached by ClinVar (database versions not stated): gnomAD exomes 0.00001 and below 0.00001; gnomAD 0.00003; ESP Exome Variant Server 0.00015; ExAC 0.00001; TOPMed 0.00005.

Submissions (13):

CFTR2
Classification: Pathogenic for Cystic fibrosis. Last evaluated: 2017-03-17. Review status: reviewed by expert panel. Criteria: Sosnay PR et al. (Nat Genet 2013). Collection method: research. Allele origin: germline. Affected: yes. Study: CFTR2.

NHS Central & South Genomic Laboratory Hub
Classification: Pathogenic for Cystic fibrosis diagnostic test. Last evaluated: 2025-10-21. Review status: criteria provided, single submitter. Criteria: ACMG Guidelines, 2015. Collection method: clinical testing. Allele origin: germline. Affected: yes. Not counted in ClinVar's aggregate classification.

Labcorp Genetics (formerly Invitae), Labcorp
Classification: Pathogenic for Cystic fibrosis. Last evaluated: 2025-09-15. Review status: criteria provided, single submitter. Criteria: Invitae Variant Classification Sherloc (09022015). Collection method: clinical testing. Allele origin: germline. Not counted in ClinVar's aggregate classification.
Comment: This sequence change creates a premature translational stop signal (p.Tyr913*) in the CFTR gene. It is expected to result in an absent or disrupted protein product. Loss-of-function variants in CFTR are known to be pathogenic (PMID: 1695717, 7691345, 9725922). This variant is present in population databases (rs149790377, gnomAD 0.01%). This premature translational stop signal has been observed in individual(s) with cystic fibrosis (CF) (PMID: 1373935, 15858154). ClinVar contains an entry for this variant (Variation ID: 53552). Algorithms developed to predict the effect of sequence changes on RNA splicing suggest that this variant may disrupt the consensus splice site. For these reasons, this variant has been classified as Pathogenic.

Natera, Inc.
Classification: Pathogenic for CFTR-related disorders. Last evaluated: 2025-08-18. Review status: criteria provided, single submitter. Criteria: Natera Variant Classification Schema (03/2026). Collection method: clinical testing. Allele origin: germline. Not counted in ClinVar's aggregate classification.
Comment: The c.2739T>A variant in CFTR is a nonsense variant predicted to introduce a stop codon at amino acid 913. This variant is expected to result in nonsense mediated decay, truncation, or a dysfunctional protein product. This variant is rare in the general population with a frequency below the threshold expected for the associated phenotype(s). This variant has been observed in one or more individuals affected with the associated recessive disease, as either homozygous or compound heterozygous with a second variant (PMID: 25452595, 30996306). Given the available evidence, this variant is classified as Pathogenic.

Baylor Genetics
Classification: Pathogenic for Bronchiectasis with or without elevated sweat chloride 1. Last evaluated: 2024-03-21. Review status: criteria provided, single submitter. Criteria: ACMG Guidelines, 2015. Collection method: clinical testing. Allele origin: unknown. Not counted in ClinVar's aggregate classification.

Mayo Clinic Laboratories, Mayo Clinic
Classification: Pathogenic. Last evaluated: 2019-11-18. Review status: criteria provided, single submitter. Criteria: ACMG Guidelines, 2015. Collection method: clinical testing. Allele origin: germline. Observed: 1 variant allele. Not counted in ClinVar's aggregate classification.
Comment: PVS1, PM2, PP5

Women's Health and Genetics/Laboratory Corporation of America, LabCorp
Classification: Pathogenic for Cystic fibrosis. Last evaluated: 2019-08-16. Review status: criteria provided, single submitter. Criteria: LabCorp Variant Classification Summary - May 2015. Collection method: clinical testing. Allele origin: germline. Not counted in ClinVar's aggregate classification.
Comment: Variant summary: CFTR c.2739T>A (p.Tyr913X) results in a premature termination codon, predicted to cause a truncation of the encoded protein or absence of the protein due to nonsense mediated decay, which are commonly known mechanisms for disease. Truncations downstream of this position have been classified as pathogenic by our laboratory. The variant allele was found at a frequency of 1.2e-05 in 251394 control chromosomes. c.2739T>A has been reported in the literature in multiple individuals affected with Cystic Fibrosis (Schrijver_2005, Schrijver_2016, Ratkiewicz_2017, Harris_2015, deDios Caballero_2016, deBecdelivre_2011). These data indicate that the variant is very likely to be associated with disease. To our knowledge, no experimental evidence demonstrating an impact on protein function has been reported. One clinical diagnostic laboratory and one expert panel (CFTR2) have submitted clinical-significance assessments for this variant to ClinVar after 2014 without evidence for independent evaluation. Both submitters have classified the variant as pathogenic. Based on the evidence outlined above, the variant was classified as pathogenic.

Mendelics
Classification: Pathogenic for Cystic fibrosis. Last evaluated: 2018-11-05. Review status: criteria provided, single submitter. Criteria: Mendelics Assertion Criteria 2017. Collection method: clinical testing. Allele origin: unknown. Affected: yes. Not counted in ClinVar's aggregate classification.

Ambry Genetics
Classification: Pathogenic for Cystic fibrosis. Last evaluated: 2018-03-05. Review status: criteria provided, single submitter. Criteria: Ambry Variant Classification Scheme 2023. Collection method: clinical testing. Allele origin: germline. Not counted in ClinVar's aggregate classification.
Comment: The p.Y913* pathogenic mutation (also known as c.2739T>A), located in coding exon 17 of the CFTR gene, results from a T to A substitution at nucleotide position 2739. This changes the amino acid from a tyrosine to a stop codon within coding exon 17. This alteration is expected to result in loss of function by premature protein truncation or nonsense-mediated mRNA decay. As such, this alteration is interpreted as a disease-causing mutation.

CFTR-France
Classification: Pathogenic for cystic fibrosis. Last evaluated: 2018-01-29. Review status: criteria provided, single submitter. Criteria: Claustres M et al. (Hum Mutat 2017). Collection method: curation. Allele origin: germline. Affected: yes. Not counted in ClinVar's aggregate classification.

Baylor Genetics
Classification: Pathogenic for Congenital bilateral aplasia of vas deferens from CFTR mutation; Cystic fibrosis. Review status: criteria provided, single submitter. Criteria: ACMG Guidelines, 2015. Collection method: clinical testing. Allele origin: germline. Not counted in ClinVar's aggregate classification.

Rady Children's Institute for Genomic Medicine, Rady Children's Hospital San Diego
Classification: Pathogenic for CFTR-Related Disorders. Review status: criteria provided, single submitter. Criteria: ACMG Guidelines, 2015. Collection method: clinical testing. Allele origin: germline. Affected: yes. Not counted in ClinVar's aggregate classification.
Comment: This nonsense variant found in exon 17 of 27 is predicted to result in loss of normal protein function through either protein truncation or nonsense-mediated mRNA decay. The p.Tyr913Ter variant has been previously reported in the literature as a compound heterozygous change in multiple individuals with CFTR-related disease (PMID: 15858154, 28194692, 25452595). Loss-of-function variation in CFTR is an established mechanism of disease (PMID: 25404111). The c.2739T>A (p.Tyr913Ter) variant is present in the heterozygous state in the gnomAD population database at a frequency of 0.001% (3/251394), and is absent in the homozygous state, thus is presumed to be rare. Based on the available evidence, the c.2739T>A (p.Tyr913Ter) variant is classified as Pathogenic.

Counsyl
Classification: Likely pathogenic for Cystic fibrosis. Last evaluated: 2015-04-30. Review status: no assertion criteria provided. Collection method: clinical testing. Allele origin: unknown. Not counted in ClinVar's aggregate classification.

Literature cited by the submitters: PubMed 1695717 (cited by Labcorp Genetics (formerly Invitae), Labcorp); PubMed 7691345 (cited by Labcorp Genetics (formerly Invitae), Labcorp); PubMed 9725922 (cited by Labcorp Genetics (formerly Invitae), Labcorp); PubMed 1373935 (cited by Labcorp Genetics (formerly Invitae), Labcorp); PubMed 15858154 (cited by 3 submitters); PubMed 25452595 (cited by Natera, Inc. and Women's Health and Genetics/Laboratory Corporation of America, LabCorp); PubMed 30996306 (cited by Natera, Inc.); PubMed 29685811 (cited by Mayo Clinic Laboratories, Mayo Clinic and Women's Health and Genetics/Laboratory Corporation of America, LabCorp); PubMed 28194692 (cited by Mayo Clinic Laboratories, Mayo Clinic and Women's Health and Genetics/Laboratory Corporation of America, LabCorp); PubMed 26708955 (cited by Mayo Clinic Laboratories, Mayo Clinic and Women's Health and Genetics/Laboratory Corporation of America, LabCorp); PubMed 21184098 (cited by Women's Health and Genetics/Laboratory Corporation of America, LabCorp and Counsyl); PubMed 26429520 (cited by Women's Health and Genetics/Laboratory Corporation of America, LabCorp).